The following is an entry in ClinVar:

NM_001081.4(CUBN):c.6970_6971del (p.His2324fs)

Gene: CUBN (cubilin; minus strand). Cytogenetic location: 10p13.
Variant type: Microsatellite.
Coding change: c.6970_6971del on transcript NM_001081.4 (MANE Select); coding-DNA positions 6970 to 6971, 2 bases deleted (CA; older notation c.6970_6971delCA).
Protein change: p.His2324fs; shifts the reading frame from histidine 2324.
Molecular consequence: frameshift variant.
Genome position (GRCh38, 1-based): chr10:16,918,651-16,918,652, TG deleted on the plus strand (CA on the coding strand, the reverse complement: CUBN is on the minus strand); deleting any 2 consecutive bases within chr10:16,918,651-16,918,656 gives the same sequence; the c. name uses the placement nearest the transcript's 3' end. VCF-style (leftmost placement, unchanged base first): chr10-16918650-ATG-A. GRCh37 (hg19) VCF-style: chr10-16960649-ATG-A.
Other names: short protein forms H2324fs.
Identifiers: ClinVar variation 3775577 (VCV003775577.1).

ClinVar aggregate classification (germline): Likely pathogenic (1 of 4 stars; one submission).

Conditions:
Proteinuria, chronic benign. Identifiers: MedGen C5394384, MONDO:0030042, OMIM 618884.

Submission:

3billion
Classification: Likely pathogenic for Proteinuria, chronic benign. Last evaluated: 2023-07-18. Review status: criteria provided, single submitter. Criteria: ACMG Guidelines, 2015. Collection method: clinical testing. Allele origin: germline. Affected: yes.
Comment: The variant is not observed in the gnomAD v2.1.1 dataset. Predicted Consequence/Location: Frameshift: predicted to result in a loss or disruption of normal protein function through nonsense-mediated decay (NMD) or protein truncation. Multiple pathogenic variants are reported downstream of the variant. Therefore, this variant is classified as Likely pathogenic according to the recommendation of ACMG/AMP guideline.